The following is an entry in ClinVar:

NM_001165963.4(SCN1A):c.4039A>T (p.Ile1347Phe)

Genes: SCN1A (sodium voltage-gated channel alpha subunit 1; minus strand), LOC102724058 (uncharacterized LOC102724058; plus strand). Cytogenetic location: 2q24.3.
Variant type: single nucleotide variant.
Coding change: c.4039A>T on transcript NM_001165963.4 (MANE Select); coding-DNA position 4039, A replaced by T.
Protein change: p.Ile1347Phe; replaces isoleucine 1347 with phenylalanine.
Molecular consequence: missense variant. On other transcripts: non-coding transcript variant (1).
Genome position (GRCh38, 1-based): chr2:166,002,717, T>A on the plus strand (A>T on the coding strand, the complement: SCN1A is on the minus strand). VCF-style: chr2-166002717-T-A. GRCh37 (hg19) VCF-style: chr2-166859227-T-A.
Other names: c.3955A>T, p.Ile1319Phe (NM_001165964.3, NM_001353957.2, NM_001353958.2); c.4039A>T, p.Ile1347Phe (NM_001202435.3, NM_001353948.2); c.4006A>T, p.Ile1336Phe (NM_001353949.2, NM_001353950.2, NM_006920.6 and 2 more transcripts); c.4003A>T, p.Ile1335Phe (NM_001353954.2, NM_001353955.2); c.3952A>T, p.Ile1318Phe (NM_001353960.2); c.1597A>T, p.Ile533Phe (NM_001353961.2); short protein forms I1336F, I533F, I1318F, I1335F, I1347F, I1319F.
Identifiers: ClinVar variation 2718930 (VCV002718930.3), dbSNP rs2468437769, ClinGen allele CA349050738.

ClinVar aggregate classification (germline): Likely pathogenic (1 of 4 stars; one submission).

Conditions:
Early-infantile DEE. Also called: Early infantile epileptic encephalopathy; Early infantile epileptic encephalopathy with suppression bursts; Ohtahara syndrome. Identifiers: Orphanet 1934, MedGen C0393706, MONDO:0800491.

Submission:

Labcorp Genetics (formerly Invitae), Labcorp
Classification: Likely pathogenic for Early-infantile DEE. Last evaluated: 2024-02-05. Review status: criteria provided, single submitter. Criteria: Invitae Variant Classification Sherloc (09022015). Collection method: clinical testing. Allele origin: germline.
Comment: This sequence change replaces isoleucine, which is neutral and non-polar, with phenylalanine, which is neutral and non-polar, at codon 1347 of the SCN1A protein (p.Ile1347Phe). This variant is not present in population databases (gnomAD no frequency). This variant has not been reported in the literature in individuals affected with SCN1A-related conditions. Advanced modeling of protein sequence and biophysical properties (such as structural, functional, and spatial information, amino acid conservation, physicochemical variation, residue mobility, and thermodynamic stability) performed at Invitae indicates that this missense variant is expected to disrupt SCN1A protein function with a positive predictive value of 95%. This variant disrupts the p.Ile1347 amino acid residue in SCN1A. Other variant(s) that disrupt this residue have been determined to be pathogenic (PMID: 27652284; Invitae). This suggests that this residue is clinically significant, and that variants that disrupt this residue are likely to be disease-causing. In summary, the currently available evidence indicates that the variant is pathogenic, but additional data are needed to prove that conclusively. Therefore, this variant has been classified as Likely Pathogenic.

Literature cited by the submitters: PubMed 27652284.